The following is an entry in ClinVar:

ClinVar aggregate classification (germline): Uncertain significance. Review status: criteria provided, multiple submitters, no conflicts (2 of 4 stars). 2 submissions from 2 submitters: Uncertain significance (2). Last evaluated 2024-09-02.

Conditions:
Inborn genetic diseases. Identifiers: MedGen C0950123, MeSH D030342.

Allele frequency attached by ClinVar (database versions not stated): TOPMed 0.00002; ExAC 0.00003; gnomAD exomes 0.00003.
gnomAD v4.1: 30 of 1,613,082 alleles (0.0019%); highest among the groups gnomAD compares: Non-Finnish European, 0.0023%; no homozygotes.

Submissions (2):

Ambry Genetics
Classification: Uncertain significance for Inborn genetic diseases. Last evaluated: 2024-09-02. Review status: criteria provided, single submitter. Criteria: Ambry Variant Classification Scheme 2023. Collection method: clinical testing. Allele origin: germline.

Labcorp Genetics (formerly Invitae), Labcorp
Classification: Uncertain significance. Last evaluated: 2022-05-19. Review status: criteria provided, single submitter. Criteria: Invitae Variant Classification Sherloc (09022015). Collection method: clinical testing. Allele origin: germline.
Comment: This sequence change replaces arginine, which is basic and polar, with tryptophan, which is neutral and slightly polar, at codon 1222 of the PTPN23 protein (p.Arg1222Trp). This variant is present in population databases (rs759072500, gnomAD 0.006%). This variant has not been reported in the literature in individuals affected with PTPN23-related conditions. Algorithms developed to predict the effect of missense changes on protein structure and function are either unavailable or do not agree on the potential impact of this missense change (SIFT: "Deleterious"; PolyPhen-2: "Probably Damaging"; Align-GVGD: "Class C0"). In summary, the available evidence is currently insufficient to determine the role of this variant in disease. Therefore, it has been classified as a Variant of Uncertain Significance.

NM_015466.4(PTPN23):c.3664C>T (p.Arg1222Trp)

Gene: PTPN23 (protein tyrosine phosphatase non-receptor type 23; plus strand). Cytogenetic location: 3p21.31.
Variant type: single nucleotide variant.
Coding change: c.3664C>T on transcript NM_015466.4 (MANE Select); coding-DNA position 3664, C replaced by T.
Protein change: p.Arg1222Trp; replaces arginine 1222 with tryptophan.
Molecular consequence: missense variant.
Genome position (GRCh38, 1-based): chr3:47,411,462, C>T. VCF-style: chr3-47411462-C-T. GRCh37 (hg19) VCF-style: chr3-47452952-C-T.
Other names: c.3286C>T, p.Arg1096Trp (NM_001304482.2); c.3664C>T (NM_015466.2); short protein forms R1096W, R1222W.
Identifiers: ClinVar variation 1352330 (VCV001352330.7), dbSNP rs759072500, ClinGen allele CA2366327.